The following is an entry in ClinVar:

ClinVar aggregate classification (germline): Uncertain significance. Review status: criteria provided, multiple submitters, no conflicts (2 of 4 stars). 4 submissions from 4 submitters: Uncertain significance (4). Last evaluated 2026-07-02.

Conditions:
TGFB3-related disorder. Also called: TGFB3-related condition.
Rienhoff syndrome. Also called: LOEYS-DIETZ SYNDROME 5. Identifiers: MedGen C3810012, MONDO:0014262, OMIM 615582.
Familial thoracic aortic aneurysm and aortic dissection (TAAD). Also called: Thoracic aortic aneurysms and dissections. Identifiers: Orphanet 91387, MedGen C4707243, MONDO:0019625.

Allele frequency attached by ClinVar (database versions not stated): gnomAD exomes below 0.00001; TOPMed below 0.00001; gnomAD 0.00001.
gnomAD v4.1: 7 of 1,614,044 alleles (0.00043%); highest among the groups gnomAD compares: Non-Finnish European, 0.00042%; no homozygotes.

Submissions (4):

PreventionGenetics, part of Exact Sciences
Classification: Uncertain significance for TGFB3-related condition. Last evaluated: 2026-07-02. Review status: criteria provided, single submitter. Criteria: ACMG Guidelines, 2015. Collection method: clinical testing. Allele origin: germline.
Comment: The TGFB3 c.521T>A variant is predicted to result in the amino acid substitution p.Leu174His. To our knowledge, this variant has not been reported in the literature. This variant is reported in 0.00088% of alleles in individuals of European (Non-Finnish) descent in gnomAD. At this time, the clinical significance of this variant is uncertain due to the absence of conclusive functional and genetic evidence.

Labcorp Genetics (formerly Invitae), Labcorp
Classification: Uncertain significance for Rienhoff syndrome. Last evaluated: 2025-12-12. Review status: criteria provided, single submitter. Criteria: Invitae Variant Classification Sherloc (09022015). Collection method: clinical testing. Allele origin: germline.
Comment: This sequence change replaces leucine, which is neutral and non-polar, with histidine, which is basic and polar, at codon 174 of the TGFB3 protein (p.Leu174His). This variant is present in population databases (no rsID available, gnomAD 0.0009%). This variant has not been reported in the literature in individuals affected with TGFB3-related conditions. ClinVar contains an entry for this variant (Variation ID: 222835). Invitae Evidence Modeling of protein sequence and biophysical properties (such as structural, functional, and spatial information, amino acid conservation, physicochemical variation, residue mobility, and thermodynamic stability) indicates that this missense variant is not expected to disrupt TGFB3 protein function with a negative predictive value of 80%. In summary, the available evidence is currently insufficient to determine the role of this variant in disease. Therefore, it has been classified as a Variant of Uncertain Significance.

Ambry Genetics
Classification: Uncertain significance for Familial thoracic aortic aneurysm and aortic dissection. Last evaluated: 2023-09-18. Review status: criteria provided, single submitter. Criteria: Ambry Variant Classification Scheme 2023. Collection method: clinical testing. Allele origin: germline.
Comment: The p.L174H variant (also known as c.521T>A), located in coding exon 3 of the TGFB3 gene, results from a T to A substitution at nucleotide position 521. The leucine at codon 174 is replaced by histidine, an amino acid with similar properties. This amino acid position is conserved. In addition, this alteration is predicted to be deleterious by in silico analysis. Since supporting evidence is limited at this time, the clinical significance of this alteration remains unclear.

AiLife Diagnostics
Classification: Uncertain significance. Last evaluated: 2021-11-09. Review status: criteria provided, single submitter. Criteria: ACMG Guidelines, 2015. Collection method: clinical testing. Allele origin: germline. Affected: yes. Observed: 1 variant allele.

NM_003239.5(TGFB3):c.521T>A (p.Leu174His)

Gene: TGFB3 (transforming growth factor beta 3; minus strand). Cytogenetic location: 14q24.3.
Variant type: single nucleotide variant.
Coding change: c.521T>A on transcript NM_003239.5 (MANE Select); coding-DNA position 521, T replaced by A.
Protein change: p.Leu174His; replaces leucine 174 with histidine.
Molecular consequence: missense variant.
Genome position (GRCh38, 1-based): chr14:75,971,251, A>T on the plus strand (T>A on the coding strand, the complement: TGFB3 is on the minus strand). VCF-style: chr14-75971251-A-T. GRCh37 (hg19) VCF-style: chr14-76437594-A-T.
Other names: c.521T>A, p.Leu174His (NM_001329938.2, NM_001329939.2); c.521T>A (NM_003239.4); short protein forms L174H.
Identifiers: ClinVar variation 222835 (VCV000222835.11), dbSNP rs869025534, ClinGen allele CA353994.
Genomic context (GRCh38, chr14:75,971,251, plus strand): 5'-CGTGTGGGCAGATTCTTGCCACCGATATAGCGCTGTTTGGCAATGTGCTCATCTGGCCGA[A>T]GGATCTACAGGGCAGAGAAAGGAGTGAGTACCCGAGACCAGGACAGAGTGCCCCAGAAGA-3'
Protein context (NP_003230.1, residues 164-184): NEQRIELFQI[Leu174His]RPDEHIAKQR